The following is an entry in ClinVar:

ClinVar aggregate classification (germline): Uncertain significance (1 of 4 stars; one submission).

gnomAD v4.1: 17 of 1,613,536 alleles (0.0011%); highest among the groups gnomAD compares: Non-Finnish European, 0.0014%; no homozygotes.

Submission:

Labcorp Genetics (formerly Invitae), Labcorp
Classification: Uncertain significance. Last evaluated: 2023-11-24. Review status: criteria provided, single submitter. Criteria: Invitae Variant Classification Sherloc (09022015). Collection method: clinical testing. Allele origin: germline.
Comment: This sequence change replaces threonine, which is neutral and polar, with alanine, which is neutral and non-polar, at codon 61 of the MTOR protein (p.Thr61Ala). This variant is present in population databases (rs756658424, gnomAD 0.003%). This variant has not been reported in the literature in individuals affected with MTOR-related conditions. ClinVar contains an entry for this variant (Variation ID: 1057821). Advanced modeling of protein sequence and biophysical properties (such as structural, functional, and spatial information, amino acid conservation, physicochemical variation, residue mobility, and thermodynamic stability) performed at Invitae indicates that this missense variant is not expected to disrupt MTOR protein function with a negative predictive value of 95%. In summary, the available evidence is currently insufficient to determine the role of this variant in disease. Therefore, it has been classified as a Variant of Uncertain Significance.

NM_004958.4(MTOR):c.181A>G (p.Thr61Ala)

Gene: MTOR (mechanistic target of rapamycin kinase; minus strand). Cytogenetic location: 1p36.22.
Variant type: single nucleotide variant.
Coding change: c.181A>G on transcript NM_004958.4 (MANE Select); coding-DNA position 181, A replaced by G.
Protein change: p.Thr61Ala; replaces threonine 61 with alanine.
Molecular consequence: missense variant. On other transcripts: 5 prime UTR variant (1).
Genome position (GRCh38, 1-based): chr1:11,258,575, T>C on the plus strand (A>G on the coding strand, the complement: MTOR is on the minus strand). VCF-style: chr1-11258575-T-C. GRCh37 (hg19) VCF-style: chr1-11318632-T-C.
Other names: c.181A>G, p.Thr61Ala (NM_001386500.1); c.-959A>G (NM_001386501.1); short protein forms T61A.
Identifiers: ClinVar variation 1057821 (VCV001057821.9), dbSNP rs756658424, ClinGen allele CA590999.
Genomic context (GRCh38, chr1:11,258,575, plus strand): 5'-TGGCATCTGAGCTGGAAACCAATTCAAAAATGTGATGGTTCAGTTGGTCATAGAAGCGAG[T>C]AGACTCCTCTTGACTCATCTGCAAAAGAAGATATAATCAGAACAATTTCTAATAATTCTC-3'
Protein context (NP_004949.1, residues 51-71): ELREMSQEES[Thr61Ala]RFYDQLNHHI